The following is an entry in ClinVar:

NM_170707.4(LMNA):c.350A>C (p.Lys117Thr)

Gene: LMNA (lamin A/C; plus strand). Cytogenetic location: 1q22.
Variant type: single nucleotide variant.
Coding change: c.350A>C on transcript NM_170707.4 (MANE Select); coding-DNA position 350, A replaced by C.
Protein change: p.Lys117Thr; replaces lysine 117 with threonine.
Molecular consequence: missense variant.
Genome position (GRCh38, 1-based): chr1:156,115,268, A>C. VCF-style: chr1-156115268-A-C. GRCh37 (hg19) VCF-style: chr1-156085059-A-C.
Other names: c.350A>C, p.Lys117Thr (NM_001282625.2, NM_001282626.2, NM_001406983.1 and 6 more transcripts); c.-74A>C (NM_001406986.1); c.-52A>C (NM_001406990.1, NM_001406995.1, NM_001407002.1); c.-315A>C (NM_001406994.1, NM_001407000.1); c.-495A>C (NM_001406999.1); c.-158A>C (NM_001407001.1); short protein forms K117T.
Identifiers: ClinVar variation 1732137 (VCV001732137.2), dbSNP rs397517901, ClinGen allele CA342808898.
Genomic context (GRCh38, chr1:156,115,268, plus strand): 5'-AGGAGCGCGCCCGCCTGCAGCTGGAGCTGAGCAAAGTGCGTGAGGAGTTTAAGGAGCTGA[A>C]AGCGCGGTGAGTTCGCCCAGGTGGCTGCGTGCCTGGCGGGGAGTGGAGAGGGCGGCGGGC-3'
Protein context (NP_733821.1, residues 107-127): SKVREEFKEL[Lys117Thr]ARNTKKEGDL

ClinVar aggregate classification (germline): Uncertain significance (1 of 4 stars; one submission).

Conditions:
Cardiovascular phenotype. Identifiers: MedGen CN230736.

Submission:

Ambry Genetics
Classification: Uncertain significance for Cardiovascular phenotype. Last evaluated: 2022-02-24. Review status: criteria provided, single submitter. Criteria: Ambry Variant Classification Scheme 2023. Collection method: clinical testing. Allele origin: germline.
Comment: The p.K117T variant (also known as c.350A>C), located in coding exon 1 of the LMNA gene, results from an A to C substitution at nucleotide position 350. The lysine at codon 117 is replaced by threonine, an amino acid with similar properties. This amino acid position is highly conserved in available vertebrate species. In addition, this alteration is predicted to be deleterious by in silico analysis. Since supporting evidence is limited at this time, the clinical significance of this alteration remains unclear.